The following is an entry in ClinVar:

ClinVar aggregate classification (germline): Benign/Likely benign. Review status: criteria provided, multiple submitters, no conflicts (2 of 4 stars). 7 submissions from 7 submitters: Benign (5); Likely benign (2). Last evaluated 2026-02-04.

Conditions:
Ehlers-Danlos syndrome (EDS). Identifiers: Orphanet 98249, MedGen C0013720, MONDO:0020066.
Cardiovascular phenotype. Identifiers: MedGen CN230736.

Allele frequency attached by ClinVar (database versions not stated): 1000 Genomes Project 0.01538; 1000 Genomes Project 30x 0.01546; TOPMed 0.01560; ESP Exome Variant Server 0.01815; gnomAD 0.01952 and 0.01973; ExAC 0.02204.
gnomAD v4.1: 36,222 of 1,612,340 alleles (2.2%); highest among the groups gnomAD compares: Non-Finnish European, 2.3%; 524 homozygotes.

Submissions (7):

Labcorp Genetics (formerly Invitae), Labcorp
Classification: Benign. Last evaluated: 2026-02-04. Review status: criteria provided, single submitter. Criteria: Invitae Variant Classification Sherloc (09022015). Collection method: clinical testing. Allele origin: germline.

Women's Health and Genetics/Laboratory Corporation of America, LabCorp
Classification: Likely benign. Last evaluated: 2026-01-22. Review status: criteria provided, single submitter. Criteria: LabCorp Variant Classification Summary - May 2015. Collection method: clinical testing. Allele origin: germline.

Mayo Clinic Laboratories, Mayo Clinic
Classification: Benign. Last evaluated: 2023-01-08. Review status: criteria provided, single submitter. Criteria: ACMG Guidelines, 2015. Collection method: clinical testing. Allele origin: germline. Observed: 136 variant alleles.

Genome Diagnostics Laboratory, The Hospital for Sick Children
Classification: Benign for Ehlers-Danlos syndrome. Last evaluated: 2022-07-14. Review status: criteria provided, single submitter. Criteria: ACMG Guidelines, 2015. Collection method: clinical testing. Allele origin: germline.

Ambry Genetics
Classification: Benign for Cardiovascular phenotype. Last evaluated: 2018-12-23. Review status: criteria provided, single submitter. Criteria: Ambry Variant Classification Scheme 2023. Collection method: clinical testing. Allele origin: germline.

GeneDx
Classification: Benign. Last evaluated: 2016-10-18. Review status: criteria provided, single submitter. Criteria: GeneDx Variant Classification (06012015). Collection method: clinical testing. Allele origin: germline. Affected: yes.
Comment: This variant is considered likely benign or benign based on one or more of the following criteria: it is a conservative change, it occurs at a poorly conserved position in the protein, it is predicted to be benign by multiple in silico algorithms, and/or has population frequency not consistent with disease.

Breakthrough Genomics
Classification: Likely benign. Review status: criteria provided, single submitter. Criteria: ACMG Guidelines, 2015. Collection method: not provided. Allele origin: germline. Inheritance: Autosomal recessive inheritance. Affected: yes.

NM_018699.4(PRDM5):c.1066T>A (p.Ser356Thr)

Gene: PRDM5 (PR/SET domain 5; minus strand). Cytogenetic location: 4q27.
Variant type: single nucleotide variant.
Coding change: c.1066T>A on transcript NM_018699.4 (MANE Select); coding-DNA position 1066, T replaced by A.
Protein change: p.Ser356Thr; replaces serine 356 with threonine.
Molecular consequence: missense variant.
Genome position (GRCh38, 1-based): chr4:120,798,389, A>T on the plus strand (T>A on the coding strand, the complement: PRDM5 is on the minus strand). VCF-style: chr4-120798389-A-T. GRCh37 (hg19) VCF-style: chr4-121719544-A-T.
Other names: p.Ser356Thr; c.973T>A, p.Ser325Thr (NM_001300823.2, NM_001300824.2, NM_001379106.1); c.1099T>A, p.Ser367Thr (NM_001379104.1); short protein forms S356T, S325T, S367T.
Identifiers: ClinVar variation 347439 (VCV000347439.20), dbSNP rs140634372, ClinGen allele CA3061156.